The following is an entry in ClinVar:

ClinVar aggregate classification (germline): Conflicting classifications of pathogenicity. Review status: criteria provided, conflicting classifications (1 of 4 stars). 5 submissions from 5 submitters: Pathogenic (1); Likely pathogenic (1); Uncertain significance (1). 2 of the submissions do not count toward it. Last evaluated 2025-10-21.

Conditions:
PRPH2-related disorder. Also called: PRPH2-related condition; PRPH2-related disorders. Identifiers: MedGen CN239395.
Choroidal dystrophy, central areolar 2 (CACD2). Also called: MACULAR DYSTROPHY, PROGRESSIVE; Choriodal Dystrophy, Central Areolar 2. Identifiers: Orphanet 75377, MedGen C2751290, MONDO:0013137, OMIM 613105.

Allele frequency attached by ClinVar (database versions not stated): TOPMed below 0.00001.

Submissions (5):

Labcorp Genetics (formerly Invitae), Labcorp
Classification: Pathogenic for PRPH2-related disorder. Last evaluated: 2025-10-21. Review status: criteria provided, single submitter. Criteria: Invitae Variant Classification Sherloc (09022015). Collection method: clinical testing. Allele origin: germline.
Comment: This sequence change replaces glycine, which is neutral and non-polar, with aspartic acid, which is acidic and polar, at codon 305 of the PRPH2 protein (p.Gly305Asp). This variant is not present in population databases (gnomAD no frequency). This missense change has been observed in individuals with autosomal dominant retinal disease (PMID: 9338584; internal data). ClinVar contains an entry for this variant (Variation ID: 98718). Invitae Evidence Modeling of protein sequence and biophysical properties (such as structural, functional, and spatial information, amino acid conservation, physicochemical variation, residue mobility, and thermodynamic stability) indicates that this missense variant is expected to disrupt PRPH2 protein function with a positive predictive value of 80%. For these reasons, this variant has been classified as Pathogenic.

Ophthalmic Genetics Group, Institute of Molecular and Clinical Ophthalmology Basel
Classification: Likely pathogenic for Choroidal dystrophy, central areolar 2. Last evaluated: 2023-07-24. Review status: criteria provided, single submitter. Criteria: ACMG Guidelines, 2015. Collection method: research. Allele origin: germline. Affected: yes. Observed: 1 variant allele.
Comment: Clinical significance based on ACMG v2.0

This variant was classified as Likely pathogenic based on ACMG criteria: PP5, PM2, PP2.

Mendelics
Classification: Uncertain significance. Last evaluated: 2022-05-04. Review status: criteria provided, single submitter. Criteria: Mendelics Assertion Criteria 2019. Collection method: clinical testing. Allele origin: germline.

Leiden Open Variation Database
Classification: Uncertain significance. Last evaluated: 2021-04-06. Review status: no assertion criteria provided. Collection method: curation. Allele origin: germline. Affected: yes. Not counted in ClinVar's aggregate classification.
Comment: Curator: Global Variome, with Curator vacancy. Submitter to LOVD: Manon Peeters.

Retina International
No classification provided. Review status: no classification provided. Collection method: not provided. Allele origin: not provided. Not counted in ClinVar's aggregate classification.

Literature cited by the submitters: PubMed 9338584 (cited by Labcorp Genetics (formerly Invitae), Labcorp and Leiden Open Variation Database); PubMed 36909829 (cited by Ophthalmic Genetics Group, Institute of Molecular and Clinical Ophthalmology Basel).

NM_000322.5(PRPH2):c.914G>A (p.Gly305Asp)

Gene: PRPH2 (peripherin 2; minus strand). Cytogenetic location: 6p21.1.
Variant type: single nucleotide variant.
Coding change: c.914G>A on transcript NM_000322.5 (MANE Select); coding-DNA position 914, G replaced by A.
Protein change: p.Gly305Asp; replaces glycine 305 with aspartic acid.
Molecular consequence: missense variant.
Genome position (GRCh38, 1-based): chr6:42,698,422, C>T on the plus strand (G>A on the coding strand, the complement: PRPH2 is on the minus strand). VCF-style: chr6-42698422-C-T. GRCh37 (hg19) VCF-style: chr6-42666160-C-T.
Other names: NP_000313.2:p.(Gly305Asp); short protein forms G305D.
Identifiers: ClinVar variation 98718 (VCV000098718.11), dbSNP rs61748432, ClinGen allele CA226326.